The following is an entry in ClinVar:

NM_014550.4(CARD10):c.1024G>A (p.Val342Met)

Gene: CARD10 (caspase recruitment domain family member 10; minus strand). Cytogenetic location: 22q13.1.
Variant type: single nucleotide variant.
Coding change: c.1024G>A on transcript NM_014550.4 (MANE Select); coding-DNA position 1024, G replaced by A.
Protein change: p.Val342Met; replaces valine 342 with methionine.
Molecular consequence: missense variant.
Genome position (GRCh38, 1-based): chr22:37,508,568, C>T on the plus strand (G>A on the coding strand, the complement: CARD10 is on the minus strand). VCF-style: chr22-37508568-C-T. GRCh37 (hg19) VCF-style: chr22-37904575-C-T.
Other names: short protein forms V342M.
Identifiers: ClinVar variation 224914 (VCV000224914.3), dbSNP rs200148764, ClinGen allele CA10220000.
Genomic context (GRCh38, chr22:37,508,568, plus strand): 5'-GGCACGGGCAGGGCCCCACCTGGTCGCGCAGCTCCTCGGCCCACTGCAGCTCCCCCTGCA[C>T]GGCATGCAGCTTCTGGCACAGCTCCTGCCTGCTGTCCTGCGCCTCCCGCCAGTCATGCTC-3'
Protein context (NP_055365.2, residues 332-352): RQELCQKLHA[Val342Met]QGELQWAEEL

ClinVar aggregate classification (germline): risk factor (0 of 4 stars; one submission).

Conditions:
Primary open angle glaucoma (POAG). Also called: OPTN-related open angle glaucoma. Identifiers: MedGen C0339573, MONDO:0100553, OMIM 137760.

Allele frequency attached by ClinVar (database versions not stated): gnomAD 0.00014 and 0.00021; TOPMed 0.00015; gnomAD exomes 0.00018 and 0.00027; ExAC 0.00035; 1000 Genomes Project 30x 0.00094; 1000 Genomes Project 0.00100.
gnomAD v4.1: 304 of 1,597,626 alleles (0.019%); highest among the groups gnomAD compares: East Asian, 0.13%; no homozygotes.

Submission:

Flinders Ophthalmology, Flinders University
Classification: risk factor for Primary open angle glaucoma. Last evaluated: 2016-03-29. Review status: no assertion criteria provided. Collection method: case-control. Allele origin: unknown. Affected: yes. Observed: 1 variant allele.
Comment: GWAS associated gene CARD10

Literature cited by the submitters: PubMed 27896285.